The following is an entry in ClinVar:

NM_001371986.1(UNC80):c.8587+6T>C

Gene: UNC80 (unc-80 homolog, NALCN channel complex subunit; plus strand). Cytogenetic location: 2q34.
Variant type: single nucleotide variant.
Coding change: c.8587+6T>C on transcript NM_001371986.1 (MANE Select); 6 bases into the intron after coding-DNA position 8587, T replaced by C.
Molecular consequence: intron variant.
Genome position (GRCh38, 1-based): chr2:209,973,276, T>C. VCF-style: chr2-209973276-T-C. GRCh37 (hg19) VCF-style: chr2-210838000-T-C.
Other names: c.8389+6T>C (NM_032504.2); c.8374+6T>C (NM_182587.4).
Identifiers: ClinVar variation 1427592 (VCV001427592.3), dbSNP rs1266482871, ClinGen allele CA539104974.

ClinVar aggregate classification (germline): Uncertain significance (1 of 4 stars; one submission).

Allele frequency attached by ClinVar (database versions not stated): TOPMed below 0.00001; gnomAD exomes 0.00001.
gnomAD v4.1: 5 of 1,551,054 alleles (0.00032%); highest among the groups gnomAD compares: Admixed American, 0.0059%; no homozygotes.

Submission:

Labcorp Genetics (formerly Invitae), Labcorp
Classification: Uncertain significance. Last evaluated: 2021-03-30. Review status: criteria provided, single submitter. Criteria: Invitae Variant Classification Sherloc (09022015). Collection method: clinical testing. Allele origin: germline.
Comment: This sequence change falls in intron 55 of the UNC80 gene. It does not directly change the encoded amino acid sequence of the UNC80 protein. It affects a nucleotide within the consensus splice site of the intron. This variant is not present in population databases (ExAC no frequency). This variant has not been reported in the literature in individuals with UNC80-related conditions. Nucleotide substitutions within the consensus splice site are a relatively common cause of aberrant splicing (PMID: 17576681, 9536098). Algorithms developed to predict the effect of sequence changes on RNA splicing suggest that this variant may disrupt the consensus splice site, but this prediction has not been confirmed by published transcriptional studies. In summary, the available evidence is currently insufficient to determine the role of this variant in disease. Therefore, it has been classified as a Variant of Uncertain Significance.

Literature cited by the submitters: PubMed 17576681; PubMed 9536098.